The following is an entry in ClinVar:

NM_000282.4(PCCA):c.1840G>A (p.Val614Ile)

Gene: PCCA (propionyl-CoA carboxylase subunit alpha; plus strand). Cytogenetic location: 13q32.3.
Variant type: single nucleotide variant.
Coding change: c.1840G>A on transcript NM_000282.4 (MANE Select); coding-DNA position 1840, G replaced by A.
Protein change: p.Val614Ile; replaces valine 614 with isoleucine.
Molecular consequence: missense variant. On other transcripts: non-coding transcript variant (5).
Genome position (GRCh38, 1-based): chr13:100,425,726, G>A. VCF-style: chr13-100425726-G-A. GRCh37 (hg19) VCF-style: chr13-101077980-G-A.
Other names: c.1762G>A, p.Val588Ile (NM_001127692.3, NM_001352607.2); c.1840G>A, p.Val614Ile (NM_001178004.2, NM_001352605.2, NM_001352609.2); c.1696G>A, p.Val566Ile (NM_001352606.2); c.1618G>A, p.Val540Ile (NM_001352608.2); c.895G>A, p.Val299Ile (NM_001352610.2, NM_001352611.2); c.751G>A, p.Val251Ile (NM_001352612.2); short protein forms V540I, V614I, V251I, V299I, V566I, V588I.
Identifiers: ClinVar variation 1423157 (VCV001423157.3), dbSNP rs201570336, ClinGen allele CA7033798.

ClinVar aggregate classification (germline): Uncertain significance (1 of 4 stars; one submission).

Conditions:
Propionic acidemia (PROP). Also called: GLYCINEMIA, KETOTIC; HYPERGLYCINEMIA WITH KETOACIDOSIS AND LEUKOPENIA; KETOTIC HYPERGLYCINEMIA. Identifiers: Orphanet 35, MedGen C0268579, MONDO:0011628, OMIM 606054, HP:0003571.

Allele frequency attached by ClinVar (database versions not stated): gnomAD exomes 0.00001 and 0.00002; ExAC 0.00003; gnomAD 0.00007 and 0.00008; TOPMed 0.00008; ESP Exome Variant Server 0.00023.
gnomAD v4.1: 20 of 1,607,612 alleles (0.0012%); highest among the groups gnomAD compares: African/African-American, 0.025%; no homozygotes.

Submission:

Labcorp Genetics (formerly Invitae), Labcorp
Classification: Uncertain significance for Propionic acidemia. Last evaluated: 2022-07-11. Review status: criteria provided, single submitter. Criteria: Invitae Variant Classification Sherloc (09022015). Collection method: clinical testing. Allele origin: germline.
Comment: This sequence change replaces valine, which is neutral and non-polar, with isoleucine, which is neutral and non-polar, at codon 614 of the PCCA protein (p.Val614Ile). This variant is present in population databases (rs201570336, gnomAD 0.02%). This variant has not been reported in the literature in individuals affected with PCCA-related conditions. ClinVar contains an entry for this variant (Variation ID: 1423157). Advanced modeling of protein sequence and biophysical properties (such as structural, functional, and spatial information, amino acid conservation, physicochemical variation, residue mobility, and thermodynamic stability) performed at Invitae indicates that this missense variant is not expected to disrupt PCCA protein function. In summary, the available evidence is currently insufficient to determine the role of this variant in disease. Therefore, it has been classified as a Variant of Uncertain Significance.